The following is an entry in ClinVar:

NM_001103.4(ACTN2):c.1106C>T (p.Ser369Leu)

Gene: ACTN2 (actinin alpha 2; plus strand). Cytogenetic location: 1q43.
Variant type: single nucleotide variant.
Coding change: c.1106C>T on transcript NM_001103.4 (MANE Select); coding-DNA position 1106, C replaced by T.
Protein change: p.Ser369Leu; replaces serine 369 with leucine.
Molecular consequence: missense variant.
Genome position (GRCh38, 1-based): chr1:236,739,531, C>T. VCF-style: chr1-236739531-C-T. GRCh37 (hg19) VCF-style: chr1-236902831-C-T.
Other names: c.1106C>T, p.Ser369Leu (NM_001278343.2); c.482C>T, p.Ser161Leu (NM_001278344.2); short protein forms S369L, S161L.
Identifiers: ClinVar variation 296505 (VCV000296505.23), dbSNP rs747400815, ClinGen allele CA1473040.
Genomic context (GRCh38, chr1:236,739,531, plus strand): 5'-AGACCAAGCTGCGGATCAGCAACCGTCCTGCCTTCATGCCCTCCGAGGGCAAGATGGTGT[C>T]GGTGAGTAGCAAGCGCCAAGCCCTCCTGGCGCCACGGGAAGCCCTCCTTCTAGCCTAAAG-3'
Protein context (NP_001094.1, residues 359-379): AFMPSEGKMV[Ser369Leu]DIAGAWQRLE

ClinVar aggregate classification (germline): Conflicting classifications of pathogenicity. Review status: criteria provided, conflicting classifications (1 of 4 stars). 8 submissions from 8 submitters: Uncertain significance (5); Likely benign (2). 1 of the submissions does not count toward it. Last evaluated 2026-01-27.

Conditions:
Dilated cardiomyopathy 1AA (CMD1AA). Also called: CARDIOMYOPATHY, DILATED, 1AA, WITH OR WITHOUT LEFT VENTRICULAR NONCOMPACTION; CARDIOMYOPATHY, FAMILIAL HYPERTROPHIC, 23, WITH OR WITHOUT LEFT VENTRICULAR NONCOMPACTION; Cardiomyopathy, dilated, 1AA, with or without LVNC. Identifiers: Orphanet 154, MedGen C2677338, MONDO:0012808, OMIM 612158.
Primary familial hypertrophic cardiomyopathy (HCM). Identifiers: Orphanet 99739, MedGen C0949658, MeSH D024741, MONDO:0024573. Inheritance: Various modes of inheritance.
ACTN2-related disorder. Also called: ACTN2-related disorders; ACTN2 related condition.
Cardiovascular phenotype. Identifiers: MedGen CN230736.
Cardiomyopathy (CMYO). Also called: Cardiomyopathies. Identifiers: Orphanet 167848, MedGen C0878544, MONDO:0004994, HP:0001638. Inheritance: Various modes of inheritance.

Allele frequency attached by ClinVar (database versions not stated): ExAC 0.00007; gnomAD exomes 0.00009 and 0.00011; gnomAD 0.00017 and 0.00021; TOPMed 0.00021.
gnomAD v4.1: 166 of 1,613,886 alleles (0.01%); highest among the groups gnomAD compares: Admixed American, 0.05%; no homozygotes.

Submissions (8):

Labcorp Genetics (formerly Invitae), Labcorp
Classification: Uncertain significance for Primary familial hypertrophic cardiomyopathy; Dilated cardiomyopathy 1AA. Last evaluated: 2026-01-27. Review status: criteria provided, single submitter. Criteria: Invitae Variant Classification Sherloc (09022015). Collection method: clinical testing. Allele origin: germline.
Comment: This sequence change replaces serine, which is neutral and polar, with leucine, which is neutral and non-polar, at codon 369 of the ACTN2 protein (p.Ser369Leu). This variant is present in population databases (rs747400815, gnomAD 0.05%), and has an allele count higher than expected for a pathogenic variant. This missense change has been observed in individual(s) with ACTN2-related conditions (PMID: 30086531). ClinVar contains an entry for this variant (Variation ID: 296505). An algorithm developed to predict the effect of missense changes on protein structure and function (PolyPhen-2) suggests that this variant is likely to be disruptive. In summary, the available evidence is currently insufficient to determine the role of this variant in disease. Therefore, it has been classified as a Variant of Uncertain Significance.

Revvity Omics, Revvity
Classification: Uncertain significance. Last evaluated: 2024-07-09. Review status: criteria provided, single submitter. Criteria: ACMG Guidelines, 2015. Collection method: clinical testing. Allele origin: germline.

Ambry Genetics
Classification: Uncertain significance for Cardiovascular phenotype. Last evaluated: 2023-11-22. Review status: criteria provided, single submitter. Criteria: Ambry Variant Classification Scheme 2023. Collection method: clinical testing. Allele origin: germline.
Comment: The p.S369L variant (also known as c.1106C>T), located in coding exon 10 of the ACTN2 gene, results from a C to T substitution at nucleotide position 1106. The serine at codon 369 is replaced by leucine, an amino acid with dissimilar properties. This variant was reported in a sudden infant death case with additional cardiac variants and limited clinical details (Campuzano O et al. Forensic Sci Int Genet, 2018 11;37:54-63). This amino acid position is highly conserved in available vertebrate species. In addition, this alteration is predicted to be deleterious by in silico analysis. Since supporting evidence is limited at this time, the clinical significance of this alteration remains unclear.

Women's Health and Genetics/Laboratory Corporation of America, LabCorp
Classification: Likely benign. Last evaluated: 2023-06-12. Review status: criteria provided, single submitter. Criteria: LabCorp Variant Classification Summary - May 2015. Collection method: clinical testing. Allele origin: germline.
Comment: Variant summary: ACTN2 c.1106C>T (p.Ser369Leu) results in a non-conservative amino acid change in the encoded protein sequence. Four of five in-silico tools predict a damaging effect of the variant on protein function. The variant allele was found at a frequency of 0.00011 in 250048 control chromosomes. The observed variant frequency is approximately 4-fold of the estimated maximal expected allele frequency for a pathogenic variant in ACTN2 causing Cardiomyopathy phenotype (2.5e-05), strongly suggesting that the variant is benign. c.1106C>T has been reported in the literature in individuals affected with alcoholic cardiomyopathy or sudden cardiac death without strong evidence of causality (Ware_2018, Campuzano_2018). These reports do not provide unequivocal conclusions about association of the variant with Cardiomyopathy. To our knowledge, no experimental evidence demonstrating an impact on protein function has been reported. The following publications have been ascertained in the context of this evaluation (PMID: 29773157, 30086531). Five clinical diagnostic laboratories have submitted clinical-significance assessments for this variant to ClinVar after 2014 without evidence, and classified it as uncertain significance (n=4) or likely benign (n=1). Based on the evidence outlined above, the variant was classified as likely benign.

GeneDx
Classification: Uncertain significance. Last evaluated: 2022-10-04. Review status: criteria provided, single submitter. Criteria: GeneDx Variant Classification Process June 2021. Collection method: clinical testing. Allele origin: germline. Affected: yes.
Comment: Has not been previously published as pathogenic or benign to our knowledge; In silico analysis supports that this missense variant has a deleterious effect on protein structure/function

CHEO Genetics Diagnostic Laboratory, Children's Hospital of Eastern Ontario
Classification: Likely benign for Cardiomyopathy. Last evaluated: 2021-12-01. Review status: criteria provided, single submitter. Criteria: ACMG Guidelines, 2015. Collection method: clinical testing. Allele origin: germline.

Illumina Laboratory Services, Illumina
Classification: Uncertain significance for Dilated cardiomyopathy 1AA. Last evaluated: 2018-01-13. Review status: criteria provided, single submitter. Criteria: ICSL Variant Classification Criteria 13 December 2019. Collection method: clinical testing. Allele origin: germline.

PreventionGenetics, part of Exact Sciences
Classification: Likely benign for ACTN2-related condition. Last evaluated: 2024-09-04. Review status: no assertion criteria provided. Collection method: clinical testing. Allele origin: germline. Not counted in ClinVar's aggregate classification.
Comment: This variant is classified as likely benign based on ACMG/AMP sequence variant interpretation guidelines (Richards et al. 2015 PMID: 25741868, with internal and published modifications).

Literature cited by the submitters: PubMed 30086531 (cited by 3 submitters); PubMed 29773157 (cited by Women's Health and Genetics/Laboratory Corporation of America, LabCorp).